The following is an entry in ClinVar:

ClinVar aggregate classification (germline): Uncertain significance (1 of 4 stars; one submission).

Submission:

Labcorp Genetics (formerly Invitae), Labcorp
Classification: Uncertain significance. Last evaluated: 2022-04-08. Review status: criteria provided, single submitter. Criteria: Invitae Variant Classification Sherloc (09022015). Collection method: clinical testing. Allele origin: germline.
Comment: In summary, the available evidence is currently insufficient to determine the role of this variant in disease. Therefore, it has been classified as a Variant of Uncertain Significance. This sequence change replaces threonine, which is neutral and polar, with asparagine, which is neutral and polar, at codon 1516 of the CDH23 protein (p.Thr1516Asn). This variant is not present in population databases (gnomAD no frequency). This variant has not been reported in the literature in individuals affected with CDH23-related conditions. Algorithms developed to predict the effect of missense changes on protein structure and function are either unavailable or do not agree on the potential impact of this missense change (SIFT: "Deleterious"; PolyPhen-2: "Not Available"; Align-GVGD: "Class C55").

NM_022124.6(CDH23):c.4547C>A (p.Thr1516Asn)

Gene: CDH23 (cadherin related 23; plus strand). Cytogenetic location: 10q22.1.
Variant type: single nucleotide variant.
Coding change: c.4547C>A on transcript NM_022124.6 (MANE Select); coding-DNA position 4547, C replaced by A.
Protein change: p.Thr1516Asn; replaces threonine 1516 with asparagine.
Molecular consequence: missense variant.
Genome position (GRCh38, 1-based): chr10:71,740,880, C>A. VCF-style: chr10-71740880-C-A. GRCh37 (hg19) VCF-style: chr10-73500637-C-A.
Other names: short protein forms T1516N.
Identifiers: ClinVar variation 1363338 (VCV001363338.8), dbSNP rs2132846236, ClinGen allele CA377160516.